The following is an entry in ClinVar:

NM_002500.5(NEUROD1):c.222GGA[1] (p.Glu75del)

Gene: NEUROD1 (neuronal differentiation 1; minus strand). Cytogenetic location: 2q31.3.
Variant type: Microsatellite.
Coding change: c.222GGA[1] on transcript NM_002500.5 (MANE Select); one copy of the 3-base unit GGA starting at c.222; the reference has two copies in a row; one copy, 3 bases deleted; also written c.225_227del.
Protein change: p.Glu75del; deletes glutamic acid 75.
Molecular consequence: inframe deletion.
Genome position (GRCh38, 1-based): chr2:181,678,634-181,678,636, TCC deleted on the plus strand (GGA on the coding strand, the reverse complement: NEUROD1 is on the minus strand); deleting any 3 consecutive bases within chr2:181,678,634-181,678,641 gives the same sequence; the position shown is the placement nearest the transcript's 3' end. VCF-style (leftmost placement, unchanged base first): chr2-181678633-ATCC-A. GRCh37 (hg19) VCF-style: chr2-182543360-ATCC-A.
Other names: c.225_227del (NM_002500.5); short protein forms E75del.
Identifiers: ClinVar variation 1019474 (VCV001019474.11), dbSNP rs1190828671, ClinGen allele CA538440253.

ClinVar aggregate classification (germline): Uncertain significance. Review status: criteria provided, multiple submitters, no conflicts (2 of 4 stars). 2 submissions from 2 submitters: Uncertain significance (2). Last evaluated 2025-03-12.

Conditions:
Maturity-onset diabetes of the young type 6 (MODY6). Identifiers: Orphanet 552, MedGen C1853371, MONDO:0011668, OMIM 606394.
Type 2 diabetes mellitus. Also called: Type II diabetes mellitus. Identifiers: MedGen C0011860, MeSH D003924, MONDO:0005148, OMIM 125853, HP:0005978.

Submissions (2):

Labcorp Genetics (formerly Invitae), Labcorp
Classification: Uncertain significance. Last evaluated: 2025-03-12. Review status: criteria provided, single submitter. Criteria: Invitae Variant Classification Sherloc (09022015). Collection method: clinical testing. Allele origin: germline.
Comment: This variant, c.225_227del, results in the deletion of 1 amino acid(s) of the NEUROD1 protein (p.Glu75del), but otherwise preserves the integrity of the reading frame. This variant is present in population databases (no rsID available, gnomAD 0.003%). This variant has not been reported in the literature in individuals affected with NEUROD1-related conditions. Experimental studies and prediction algorithms are not available or were not evaluated, and the functional significance of this variant is currently unknown. In summary, the available evidence is currently insufficient to determine the role of this variant in disease. Therefore, it has been classified as a Variant of Uncertain Significance.

Fulgent Genetics
Classification: Uncertain significance for Type 2 diabetes mellitus; Maturity-onset diabetes of the young type 6. Last evaluated: 2023-12-21. Review status: criteria provided, single submitter. Criteria: ACMG Guidelines, 2015. Collection method: clinical testing. Allele origin: germline.